The following is an entry in ClinVar:

NM_022089.4(ATP13A2):c.1128C>T (p.Cys376=)

Gene: ATP13A2 (ATPase cation transporting 13A2; minus strand). Cytogenetic location: 1p36.13.
Variant type: single nucleotide variant.
Coding change: c.1128C>T on transcript NM_022089.4 (MANE Select); coding-DNA position 1128, C replaced by T.
Protein change: p.Cys376=; no amino-acid change (cysteine 376 retained).
Molecular consequence: synonymous variant.
Genome position (GRCh38, 1-based): chr1:16,997,087, G>A on the plus strand (C>T on the coding strand, the complement: ATP13A2 is on the minus strand). VCF-style: chr1-16997087-G-A. GRCh37 (hg19) VCF-style: chr1-17323582-G-A.
Other names: c.1113C>T, p.Cys371= (NM_001141973.3, NM_001141974.3).
Identifiers: ClinVar variation 293799 (VCV000293799.25), dbSNP rs148970081, ClinGen allele CA637357.

ClinVar aggregate classification (germline): Conflicting classifications of pathogenicity. Review status: criteria provided, conflicting classifications (1 of 4 stars). 6 submissions from 6 submitters: Uncertain significance (1); Benign (1); Likely benign (4). Last evaluated 2026-01-28.

Conditions:
Kufor-Rakeb syndrome (KRS). Also called: PARKINSON DISEASE 9, AUTOSOMAL RECESSIVE, JUVENILE-ONSET. Identifiers: Orphanet 306674, Orphanet 314632, MedGen C1847640, MONDO:0011706, OMIM 606693.
Autosomal recessive spastic paraplegia type 78. Identifiers: Orphanet 513436, MedGen C5567893, MONDO:0014975, OMIM 617225.
Inborn genetic diseases. Identifiers: MedGen C0950123, MeSH D030342.

Allele frequency attached by ClinVar (database versions not stated): gnomAD exomes 0.00024 and 0.00049; gnomAD 0.00031 and 0.00032; TOPMed 0.00039; ExAC 0.00041; ESP Exome Variant Server 0.00062.
gnomAD v4.1: 425 of 1,613,486 alleles (0.026%); highest among the groups gnomAD compares: East Asian, 0.0045%; 2 homozygotes.

Submissions (6):

Labcorp Genetics (formerly Invitae), Labcorp
Classification: Benign for Kufor-Rakeb syndrome; Autosomal recessive spastic paraplegia type 78. Last evaluated: 2026-01-28. Review status: criteria provided, single submitter. Criteria: Invitae Variant Classification Sherloc (09022015). Collection method: clinical testing. Allele origin: germline.

CeGaT Center for Human Genetics Tuebingen
Classification: Likely benign. Last evaluated: 2026-01-01. Review status: criteria provided, single submitter. Criteria: CeGaT Center For Human Genetics Tuebingen Variant Classification Criteria Version 2. Collection method: clinical testing. Allele origin: germline. Affected: yes. Observed: 1 variant allele.
Comment: ATP13A2: BP4, BP7

Blueprint Genetics
Classification: Likely benign. Last evaluated: 2024-09-13. Review status: criteria provided, single submitter. Criteria: ACMG Guidelines, 2015. Collection method: clinical testing. Allele origin: germline.

GeneDx
Classification: Likely benign. Last evaluated: 2021-02-09. Review status: criteria provided, single submitter. Criteria: GeneDx Variant Classification Process June 2021. Collection method: clinical testing. Allele origin: germline. Affected: yes.

Illumina Laboratory Services, Illumina
Classification: Uncertain significance for Kufor-Rakeb syndrome. Last evaluated: 2018-01-13. Review status: criteria provided, single submitter. Criteria: ICSL Variant Classification Criteria 13 December 2019. Collection method: clinical testing. Allele origin: germline.

Ambry Genetics
Classification: Likely benign for Inborn genetic diseases. Last evaluated: 2016-10-07. Review status: criteria provided, single submitter. Criteria: Ambry Variant Classification Scheme 2023. Collection method: clinical testing. Allele origin: germline.